The following is an entry in ClinVar:

ClinVar aggregate classification (germline): Uncertain significance (1 of 4 stars; one submission).

Submission:

ARUP Laboratories, Molecular Genetics and Genomics, ARUP Laboratories
Classification: Uncertain significance. Last evaluated: 2024-11-21. Review status: criteria provided, single submitter. Criteria: ARUP Molecular Germline Variant Investigation Process 2024. Collection method: clinical testing. Allele origin: germline.
Comment: The JAK2 c.2967_2968del; p.Arg989SerfsTer2 variant, to our knowledge, is not reported in the medical literature or gene specific databases. This variant is also absent from the Genome Aggregation Database (v2.1.1), indicating it is not a common polymorphism. This variant causes a frameshift by deleting two nucleotides, so it is predicted to result in a truncated protein or mRNA subject to nonsense-mediated decay. However, loss-of-function is not known mechanism of JAK2-related disease. However, given the lack of clinical and functional data, the significance of this variant is uncertain at this time.

NM_004972.4(JAK2):c.2967_2968del (p.Arg989fs)

Genes: JAK2 (Janus kinase 2; plus strand), INSL6 (insulin like 6; minus strand). Cytogenetic location: 9p24.1.
Variant type: Microsatellite.
Coding change: c.2967_2968del on transcript NM_004972.4 (MANE Select); coding-DNA positions 2967 to 2968, 2 bases deleted (AG; older notation c.2967_2968delAG).
Protein change: p.Arg989fs; shifts the reading frame from arginine 989.
Molecular consequence: frameshift variant. On other transcripts: non-coding transcript variant (2).
Genome position (GRCh38, 1-based): chr9:5,090,819-5,090,820, AG deleted; deleting any 2 consecutive bases within chr9:5,090,817-5,090,820 gives the same sequence; the c. name uses the placement nearest the transcript's 3' end. VCF-style (leftmost placement, unchanged base first): chr9-5090816-CAG-C. GRCh37 (hg19) VCF-style: chr9-5090816-CAG-C.
Other names: c.2967_2968del, p.Arg989fs (NM_001322194.2, NM_001322195.2, NM_001322196.2); c.1752_1753del, p.Arg584fs (NM_001322198.2, NM_001322199.2); c.2520_2521del, p.Arg840fs (NM_001322204.2); short protein forms R584fs, R840fs, R989fs.
Identifiers: ClinVar variation 3767005 (VCV003767005.1).